The following is an entry in ClinVar:

ClinVar aggregate classification (germline): Pathogenic (1 of 4 stars; one submission).

Conditions:
Carnitine acylcarnitine translocase deficiency (CACTD). Identifiers: Orphanet 159, MedGen C0342791, MONDO:0008918, OMIM 212138.

Submission:

Labcorp Genetics (formerly Invitae), Labcorp
Classification: Pathogenic for Carnitine acylcarnitine translocase deficiency. Last evaluated: 2025-09-30. Review status: criteria provided, single submitter. Criteria: Invitae Variant Classification Sherloc (09022015). Collection method: clinical testing. Allele origin: germline.
Comment: This variant, c.160_163delinsTGGG, is a complex sequence change that results in the deletion of 2 and insertion of 2 amino acid(s) in the SLC25A20 protein (p.Gly54_Thr55delinsTrpAla). This variant is present in population databases (no rsID available, gnomAD 0.003%). This variant has been observed in individual(s) with CACT deficiency (PMID: 15365988, 21605995, 25614308). In at least one individual the data is consistent with being in trans (on the opposite chromosome) from a pathogenic variant. This variant is also known as c.159dupT;c.163delA (p.Gly54Trp;p.Thr55Ala). ClinVar contains an entry for this variant (Variation ID: 1331615). Invitae Evidence Modeling of protein sequence and biophysical properties (such as structural, functional, and spatial information, amino acid conservation, physicochemical variation, residue mobility, and thermodynamic stability) indicates that this missense variant is expected to disrupt SLC25A20 protein function with a positive predictive value of 80%. For these reasons, this variant has been classified as Pathogenic.

Literature cited by the submitters: PubMed 15365988; PubMed 21605995; PubMed 25614308.

NM_000387.6(SLC25A20):c.160_163delinsTGGG (p.Gly54_Thr55delinsTrpAla)

Gene: SLC25A20 (solute carrier family 25 member 20; minus strand). Cytogenetic location: 3p21.31.
Variant type: Indel.
Coding change: c.160_163delinsTGGG on transcript NM_000387.6 (MANE Select); coding-DNA positions 160 to 163, GGGA replaced by TGGG.
Protein change: p.Gly54_Thr55delinsTrpAla.
Molecular consequence: missense variant.
Genome position (GRCh38, 1-based): chr3:48,892,015-48,892,018, TCCC replaced by CCCA on the plus strand (GGGA replaced by TGGG on the coding strand, the reverse complement: SLC25A20 is on the minus strand). VCF-style: chr3-48892015-TCCC-CCCA. GRCh37 (hg19) VCF-style: chr3-48929448-TCCC-CCCA.
Identifiers: ClinVar variation 969359 (VCV000969359.6), dbSNP rs2083881514, ClinGen allele CA658760378.